The following is an entry in ClinVar:

NM_000170.3(GLDC):c.2983G>A (p.Asp995Asn)

Gene: GLDC (glycine decarboxylase; minus strand). Cytogenetic location: 9p24.1.
Variant type: single nucleotide variant.
Coding change: c.2983G>A on transcript NM_000170.3 (MANE Select); coding-DNA position 2983, G replaced by A.
Protein change: p.Asp995Asn; replaces aspartic acid 995 with asparagine.
Molecular consequence: missense variant.
Genome position (GRCh38, 1-based): chr9:6,533,097, C>T on the plus strand (G>A on the coding strand, the complement: GLDC is on the minus strand). VCF-style: chr9-6533097-C-T. GRCh37 (hg19) VCF-style: chr9-6533097-C-T.
Other names: short protein forms D995N.
Identifiers: ClinVar variation 554525 (VCV000554525.9), dbSNP rs1554641505, ClinGen allele CA372881654.

ClinVar aggregate classification (germline): Conflicting classifications of pathogenicity. Review status: criteria provided, conflicting classifications (1 of 4 stars). 3 submissions from 3 submitters: Likely pathogenic (1); Uncertain significance (1). 1 of the submissions does not count toward it. Last evaluated 2025-12-17.

Conditions:
Glycine encephalopathy 1 (GCE1). Identifiers: MedGen CN376801, MONDO:0958179, OMIM 605899.
Glycine encephalopathy. Also called: Nonketotic hyperglycinemia; Non-ketotic hyperglycinemia. Identifiers: Orphanet 407, MedGen C0751748, MONDO:0011612, HP:0008288.

Submissions (3):

Myriad Genetics, Inc.
Classification: Uncertain significance for Glycine encephalopathy 1. Last evaluated: 2025-12-17. Review status: criteria provided, single submitter. Criteria: Myriad Autosomal Dominant, Autosomal Recessive and X-Linked Classification Criteria (2023). Collection method: clinical testing. Allele origin: unknown.
Comment: NM_000170.2(GLDC):c.2983G>A(D995N) is a missense variant classified as a variant of uncertain significance in the context of glycine encephalopathy, GLDC-related. D995N has been observed in a case with relevant disease (PMID: 27362913). Relevant functional assessments of this variant are not available in the literature. D995N has not been observed in referenced population frequency databases. In summary, there is insufficient evidence to classify NM_000170.2(GLDC):c.2983G>A(D995N) as pathogenic or benign. Please note: this variant was assessed in the context of healthy population screening.

Labcorp Genetics (formerly Invitae), Labcorp
Classification: Likely pathogenic for Glycine encephalopathy. Last evaluated: 2025-11-14. Review status: criteria provided, single submitter. Criteria: Invitae Variant Classification Sherloc (09022015). Collection method: clinical testing. Allele origin: germline.
Comment: This sequence change replaces aspartic acid, which is acidic and polar, with asparagine, which is neutral and polar, at codon 995 of the GLDC protein (p.Asp995Asn). This variant is not present in population databases (gnomAD no frequency). This missense change has been observed in individual(s) with nonketotic hyperglycinemia (PMID: 27362913). ClinVar contains an entry for this variant (Variation ID: 554525). Invitae Evidence Modeling of protein sequence and biophysical properties (such as structural, functional, and spatial information, amino acid conservation, physicochemical variation, residue mobility, and thermodynamic stability) indicates that this missense variant is expected to disrupt GLDC protein function with a positive predictive value of 95%. In summary, the currently available evidence indicates that the variant is pathogenic, but additional data are needed to prove that conclusively. Therefore, this variant has been classified as Likely Pathogenic.

Counsyl
Classification: Uncertain significance for Glycine encephalopathy 1. Last evaluated: 2017-10-24. Review status: no assertion criteria provided. Collection method: clinical testing. Allele origin: unknown. Not counted in ClinVar's aggregate classification.

Literature cited by the submitters: PubMed 27362913 (cited by 3 submitters).